The following is an entry in ClinVar:

NM_001375524.1(TRRAP):c.11408C>T (p.Thr3803Met)

Gene: TRRAP (transformation/transcription domain associated protein; plus strand). Cytogenetic location: 7q22.1.
Variant type: single nucleotide variant.
Coding change: c.11408C>T on transcript NM_001375524.1 (MANE Select); coding-DNA position 11408, C replaced by T.
Protein change: p.Thr3803Met; replaces threonine 3803 with methionine.
Molecular consequence: missense variant.
Genome position (GRCh38, 1-based): chr7:99,012,141, C>T. VCF-style: chr7-99012141-C-T. GRCh37 (hg19) VCF-style: chr7-98609764-C-T.
Other names: c.11366C>T, p.Thr3789Met (NM_001244580.2); c.11279C>T, p.Thr3760Met (NM_003496.4); short protein forms T3789M, T3803M, T3760M.
Identifiers: ClinVar variation 2721460 (VCV002721460.3), dbSNP rs201806372, ClinGen allele CA4362170.

ClinVar aggregate classification (germline): Uncertain significance (1 of 4 stars; one submission).

Allele frequency attached by ClinVar (database versions not stated): TOPMed 0.00001; gnomAD exomes 0.00004; ExAC 0.00006; gnomAD 0.00006; 1000 Genomes Project 30x 0.00078; 1000 Genomes Project 0.00100.
gnomAD v4.1: 67 of 1,614,206 alleles (0.0042%); highest among the groups gnomAD compares: East Asian, 0.12%; no homozygotes.

Submission:

Labcorp Genetics (formerly Invitae), Labcorp
Classification: Uncertain significance. Last evaluated: 2024-12-03. Review status: criteria provided, single submitter. Criteria: Invitae Variant Classification Sherloc (09022015). Collection method: clinical testing. Allele origin: germline.
Comment: This sequence change replaces threonine, which is neutral and polar, with methionine, which is neutral and non-polar, at codon 3760 of the TRRAP protein (p.Thr3760Met). This variant is present in population databases (rs201806372, gnomAD 0.03%). This variant has not been reported in the literature in individuals affected with TRRAP-related conditions. ClinVar contains an entry for this variant (Variation ID: 2721460). Invitae Evidence Modeling of protein sequence and biophysical properties (such as structural, functional, and spatial information, amino acid conservation, physicochemical variation, residue mobility, and thermodynamic stability) indicates that this missense variant is not expected to disrupt TRRAP protein function with a negative predictive value of 80%. In summary, the available evidence is currently insufficient to determine the role of this variant in disease. Therefore, it has been classified as a Variant of Uncertain Significance.